The following is an entry in ClinVar:

NM_000135.4(FANCA):c.3688C>G (p.Leu1230Val)

Gene: FANCA (FA complementation group A; minus strand). Cytogenetic location: 16q24.3.
Variant type: single nucleotide variant.
Coding change: c.3688C>G on transcript NM_000135.4 (MANE Select); coding-DNA position 3688, C replaced by G.
Protein change: p.Leu1230Val; replaces leucine 1230 with valine.
Molecular consequence: missense variant.
Genome position (GRCh38, 1-based): chr16:89,742,877, G>C on the plus strand (C>G on the coding strand, the complement: FANCA is on the minus strand). VCF-style: chr16-89742877-G-C. GRCh37 (hg19) VCF-style: chr16-89809285-G-C.
Other names: c.3688C>G, p.Leu1230Val (NM_001286167.3); short protein forms L1230V.
Identifiers: ClinVar variation 1035840 (VCV001035840.5), dbSNP rs576401459, ClinGen allele CA8251023.

ClinVar aggregate classification (germline): Uncertain significance. Review status: criteria provided, single submitter (1 of 4 stars). 2 submissions from 2 submitters: Uncertain significance (1). 1 of the submissions does not count toward it. Last evaluated 2021-08-28.

Conditions:
Fanconi anemia (FA). Also called: Fanconi's anemia. Identifiers: Orphanet 84, MedGen C0015625, MeSH D005199, MONDO:0019391.

Allele frequency attached by ClinVar (database versions not stated): gnomAD 0.00001; gnomAD exomes 0.00001 and 0.00002; ExAC 0.00002; TOPMed 0.00002; 1000 Genomes Project 30x 0.00031; 1000 Genomes Project 0.00040.

Submissions (2):

Labcorp Genetics (formerly Invitae), Labcorp
Classification: Uncertain significance for Fanconi anemia. Last evaluated: 2021-08-28. Review status: criteria provided, single submitter. Criteria: Invitae Variant Classification Sherloc (09022015). Collection method: clinical testing. Allele origin: germline.
Comment: This sequence change replaces leucine with valine at codon 1230 of the FANCA protein (p.Leu1230Val). The leucine residue is highly conserved and there is a small physicochemical difference between leucine and valine. This variant is present in population databases (rs576401459, ExAC 0.01%). This missense change has been observed in individual(s) with breast cancer (PMID: 30086788). Algorithms developed to predict the effect of missense changes on protein structure and function are either unavailable or do not agree on the potential impact of this missense change (SIFT: "Deleterious"; PolyPhen-2: "Benign"; Align-GVGD: "Class C0"). In summary, the available evidence is currently insufficient to determine the role of this variant in disease. Therefore, it has been classified as a Variant of Uncertain Significance.

Natera, Inc.
Classification: Uncertain significance for Fanconi anemia. Last evaluated: 2020-06-06. Review status: no assertion criteria provided. Collection method: clinical testing. Allele origin: germline. Not counted in ClinVar's aggregate classification.

Literature cited by the submitters: PubMed 30086788 (cited by Labcorp Genetics (formerly Invitae), Labcorp).